The following is an entry in ClinVar:

ClinVar aggregate classification (germline): Uncertain significance (1 of 4 stars; one submission).

gnomAD v4.1: 13 of 1,613,604 alleles (0.00081%); highest among the groups gnomAD compares: Middle Eastern, 0.016%; no homozygotes.

Submission:

GeneDx
Classification: Uncertain significance. Last evaluated: 2025-05-16. Review status: criteria provided, single submitter. Criteria: GeneDx Variant Classification Process June 2021. Collection method: clinical testing. Allele origin: germline. Affected: yes.
Comment: In silico analysis supports that this missense variant has a deleterious effect on protein structure/function; Has not been previously published as pathogenic or benign to our knowledge

NM_004319.3(ASTN1):c.1498C>T (p.Arg500Trp)

Gene: ASTN1 (astrotactin 1; minus strand). Cytogenetic location: 1q25.2.
Variant type: single nucleotide variant.
Coding change: c.1498C>T on transcript NM_004319.3 (MANE Select); coding-DNA position 1498, C replaced by T.
Protein change: p.Arg500Trp; replaces arginine 500 with tryptophan.
Molecular consequence: missense variant.
Genome position (GRCh38, 1-based): chr1:177,014,816, G>A on the plus strand (C>T on the coding strand, the complement: ASTN1 is on the minus strand). VCF-style: chr1-177014816-G-A. GRCh37 (hg19) VCF-style: chr1-176983952-G-A.
Other names: c.1498C>T, p.Arg500Trp (NM_001286164.2, NM_207108.3); c.1522C>T, p.Arg508Trp (NM_001364856.2); short protein forms R500W, R508W.
Identifiers: ClinVar variation 4529989 (VCV004529989.1).